The following is an entry in ClinVar:

ClinVar aggregate classification (germline): Likely pathogenic (1 of 4 stars; one submission).

Conditions:
Spermatogenic failure 18. Identifiers: MedGen C4539783, MONDO:0054615, OMIM 617576.
Ciliary dyskinesia, primary, 37 (CILD37). Also called: CILIARY DYSKINESIA, PRIMARY, 37, WITH OR WITHOUT SITUS INVERSUS. Identifiers: MedGen C4539798, MONDO:0033204, OMIM 617577.

gnomAD v4.1: 26 of 1,611,932 alleles (0.0016%); highest among the groups gnomAD compares: Non-Finnish European, 0.0021%; no homozygotes.

Submission:

Labcorp Genetics (formerly Invitae), Labcorp
Classification: Likely pathogenic for Ciliary dyskinesia, primary, 37; Spermatogenic failure 18. Last evaluated: 2024-10-10. Review status: criteria provided, single submitter. Criteria: Invitae Variant Classification Sherloc (09022015). Collection method: clinical testing. Allele origin: germline.
Comment: This sequence change affects a donor splice site in intron 46 of the DNAH1 gene. It is expected to disrupt RNA splicing. Variants that disrupt the donor or acceptor splice site typically lead to a loss of protein function (PMID: 16199547), and loss-of-function variants in DNAH1 are known to be pathogenic (PMID: 27573432, 27798045). This variant is present in population databases (rs367692811, gnomAD 0.004%). This variant has not been reported in the literature in individuals affected with DNAH1-related conditions. Algorithms developed to predict the effect of sequence changes on RNA splicing suggest that this variant may disrupt the consensus splice site. In summary, the currently available evidence indicates that the variant is pathogenic, but additional data are needed to prove that conclusively. Therefore, this variant has been classified as Likely Pathogenic.

Literature cited by the submitters: PubMed 16199547; PubMed 27573432; PubMed 27798045.

NM_015512.5(DNAH1):c.7198+1G>C

Gene: DNAH1 (dynein axonemal heavy chain 1; plus strand). Cytogenetic location: 3p21.1.
Variant type: single nucleotide variant.
Coding change: c.7198+1G>C on transcript NM_015512.5 (MANE Select); the canonical splice donor site of the intron after coding-DNA position 7198, G replaced by C.
Molecular consequence: splice donor variant.
Genome position (GRCh38, 1-based): chr3:52,375,994, G>C. VCF-style: chr3-52375994-G-C. GRCh37 (hg19) VCF-style: chr3-52410010-G-C.
Identifiers: ClinVar variation 3761974 (VCV003761974.2), dbSNP rs367692811.